The following is an entry in ClinVar:

NM_000020.3(ACVRL1):c.1049G>T (p.Gly350Val)

Gene: ACVRL1 (activin A receptor like type 1; plus strand). Cytogenetic location: 12q13.13.
Variant type: single nucleotide variant.
Coding change: c.1049G>T on transcript NM_000020.3 (MANE Select); coding-DNA position 1049, G replaced by T.
Protein change: p.Gly350Val; replaces glycine 350 with valine.
Molecular consequence: missense variant. On other transcripts: intron variant (1).
Genome position (GRCh38, 1-based): chr12:51,916,036, G>T. VCF-style: chr12-51916036-G-T. GRCh37 (hg19) VCF-style: chr12-52309820-G-T.
Other names: p.Gly350Val; c.1049G>T, p.Gly350Val (NM_001077401.2, NM_001406487.1, NM_001406488.1 and 1 more transcripts); c.737G>T, p.Gly246Val (NM_001406490.1, NM_001406491.1, NM_001406492.1 and 1 more transcripts); c.485G>T, p.Gly162Val (NM_001406495.1); c.736+536G>T (NM_001406494.1); short protein forms G162V, G246V, G350V.
Identifiers: ClinVar variation 2683202 (VCV002683202.2), dbSNP rs764834560, ClinGen allele CA384901959.

ClinVar aggregate classification (germline): Conflicting classifications of pathogenicity. Review status: criteria provided, conflicting classifications (1 of 4 stars). 2 submissions from 2 submitters: Likely pathogenic (1); Uncertain significance (1). Last evaluated 2022-03-16.

Conditions:
ACVRL1-related disorder. Also called: ACVRL1-related condition; ACVRL1-related disorders.

Submissions (2):

Mayo Clinic Laboratories, Mayo Clinic
Classification: Uncertain significance. Last evaluated: 2022-03-16. Review status: criteria provided, single submitter. Criteria: ACMG Guidelines, 2015. Collection method: clinical testing. Allele origin: germline. Observed: 1 variant allele.
Comment: PP3, PM2_supporting, PM5_supporting

Blueprint Genetics
Classification: Likely pathogenic for ACVRL1-related disorders. Last evaluated: 2020-09-11. Review status: criteria provided, single submitter. Criteria: ACMG Guidelines, 2015. Collection method: clinical testing. Allele origin: germline. Affected: yes. Observed: 1 variant allele.